The following is an entry in ClinVar:

ClinVar aggregate classification (germline): Uncertain significance (1 of 4 stars; one submission).

Submission:

Laboratorio de Genetica e Diagnostico Molecular, Hospital Israelita Albert Einstein
Classification: Uncertain significance. Last evaluated: 2021-06-29. Review status: criteria provided, single submitter. Criteria: ACMG Guidelines, 2015. Collection method: clinical testing. Allele origin: germline. Affected: yes.
Comment: ACMG classification criteria: PM2, PP2, PP3

NM_015076.5(CDK19):c.532A>G (p.Arg178Gly)

Gene: CDK19 (cyclin dependent kinase 19; minus strand). Cytogenetic location: 6q21.
Variant type: single nucleotide variant.
Coding change: c.532A>G on transcript NM_015076.5 (MANE Select); coding-DNA position 532, A replaced by G.
Protein change: p.Arg178Gly; replaces arginine 178 with glycine.
Molecular consequence: missense variant. On other transcripts: intron variant (1).
Genome position (GRCh38, 1-based): chr6:110,632,144, T>C on the plus strand (A>G on the coding strand, the complement: CDK19 is on the minus strand). VCF-style: chr6-110632144-T-C. GRCh37 (hg19) VCF-style: chr6-110953347-T-C.
Other names: c.352A>G, p.Arg118Gly (NM_001300963.2, NM_001300964.2); c.515-4999A>G (NM_001300960.2); short protein forms R118G, R178G.
Identifiers: ClinVar variation 1690410 (VCV001690410.2), dbSNP rs2114707169, ClinGen allele CA365357624.